The following is an entry in ClinVar:

ClinVar aggregate classification (germline): Benign/Likely benign. Review status: criteria provided, multiple submitters, no conflicts (2 of 4 stars). 30 submissions from 29 submitters: Benign (12); Likely benign (9). 9 of the submissions do not count toward it. Last evaluated 2026-05-01.

Conditions:
BRIP1-related disorder. Also called: BRIP1-related condition; BRIP1-related disorders. Identifiers: MedGen CN239206.
Breast and/or ovarian cancer. Identifiers: MedGen CN221562.
Hereditary cancer-predisposing syndrome. Also called: Tumor predisposition; Hereditary neoplastic syndrome; Neoplastic Syndromes, Hereditary; Hereditary Cancer Syndrome. Identifiers: Orphanet 140162, MedGen C0027672, MeSH D009386, MONDO:0015356.
Familial cancer of breast. Also called: Hereditary breast cancer; hereditary breast carcinoma; BREAST CANCER, FAMILIAL. Identifiers: Orphanet 227535, MedGen C0346153, MONDO:0016419, OMIM 114480. Disease mechanism: loss of function.
Fanconi anemia complementation group J. Also called: BRIP1-Related Fanconi Anemia. Identifiers: Orphanet 84, MedGen C1836860, MONDO:0012187, OMIM 609054.
Ovarian cancer. Also called: OVARIAN CANCER, SOMATIC. Identifiers: Orphanet 213500, MedGen C1140680, MONDO:0008170, OMIM 167000.

Allele frequency attached by ClinVar (database versions not stated): 1000 Genomes Project 0.00080; 1000 Genomes Project 30x 0.00094; TOPMed 0.00120; ESP Exome Variant Server 0.00138; ExAC 0.00160; gnomAD 0.00190 and 0.00197; gnomAD exomes 0.00194 and 0.00229.
gnomAD v4.1: 3,615 of 1,613,712 alleles (0.22%); highest among the groups gnomAD compares: Non-Finnish European, 0.24%; 7 homozygotes.

Submissions 1 to 24 of 30:

CeGaT Center for Human Genetics Tuebingen
Classification: Benign. Last evaluated: 2026-05-01. Review status: criteria provided, single submitter. Criteria: CeGaT Center For Human Genetics Tuebingen Variant Classification Criteria Version 2. Collection method: clinical testing. Allele origin: germline. Affected: yes. Observed: 11 variant alleles.
Comment: BRIP1: BP4, BS1, BS2

Labcorp Genetics (formerly Invitae), Labcorp
Classification: Benign for Familial cancer of breast; Fanconi anemia complementation group J. Last evaluated: 2026-02-04. Review status: criteria provided, single submitter. Criteria: Invitae Variant Classification Sherloc (09022015). Collection method: clinical testing. Allele origin: germline.

Dasa
Classification: Benign. Last evaluated: 2025-11-03. Review status: criteria provided, single submitter. Criteria: DASA Assertion Criteria. Collection method: clinical testing. Allele origin: germline.
Comment: NM_032043.3(BRIP1):c.584T>C (p.Leu195Pro) is a missense variant that results in the substitution of leucine with proline. Population frequency is inconsistent with a disease-causing role for this variant, and observations in unaffected individuals support a benign interpretation. Computational prediction algorithms are consistent with a benign effect. Therefore, based on the currently available evidence, this variant is classified as benign.

Mayo Clinic Laboratories, Mayo Clinic
Classification: Likely benign. Last evaluated: 2025-09-22. Review status: criteria provided, single submitter. Criteria: ACMG Guidelines, 2015. Collection method: clinical testing. Allele origin: germline. Observed: 4 variant alleles.
Comment: BS1, BP4_moderate

ARUP Laboratories, Molecular Genetics and Genomics, ARUP Laboratories
Classification: Benign. Last evaluated: 2025-05-06. Review status: criteria provided, single submitter. Criteria: ARUP Molecular Germline Variant Investigation Process 2024. Collection method: clinical testing. Allele origin: germline.

Molecular Diagnostics Laboratory, Catalan Institute of Oncology
Classification: Likely benign for Hereditary cancer-predisposing syndrome. Last evaluated: 2025-04-22. Review status: criteria provided, single submitter. Criteria: ACMG Guidelines, 2015. Collection method: clinical testing. Allele origin: germline.
Comment: BS2_Supporting, BP4_Moderate c.584T>C, located in exon 6 of the BRIP1 gene, is predicted to result in the substitution of Leucine by Proline at codon 195, p.(Leu195Pro). This variant is found in 534/282724 alleles (2 homozygotes) at a frequency of 0.196% in the gnomAD v2.1.1 database, non-cancer dataset (BS2_supporting). The SpliceAI algorithm predicts no significant impact on splicing. The REVEL meta-predictor score for this variant (0.103) suggests that it does not affect the protein function according Pejaver 2022 thresholds (PMID: 36413997) (BP4_moderate). To our knowledge, neither relevant clinical data nor well-stablished functional studies have been reported for this variant. It has been reported in the ClinVar database (11x benign, 8x likely benign). Based on the currently available information, c.584T>C is classified as a likely benign variant according to ACMG guidelines.

Quest Diagnostics Nichols Institute San Juan Capistrano
Classification: Benign. Last evaluated: 2025-04-03. Review status: criteria provided, single submitter. Criteria: Quest Diagnostics criteria. Collection method: clinical testing. Allele origin: unknown.

Center for Genomic Medicine, Rigshospitalet, Copenhagen University Hospital
Classification: Likely benign. Last evaluated: 2025-03-04. Review status: criteria provided, single submitter. Criteria: ACMG Guidelines, 2015. Collection method: clinical testing. Allele origin: germline.

Blueprint Genetics
Classification: Likely benign. Last evaluated: 2024-11-11. Review status: criteria provided, single submitter. Criteria: ACMG Guidelines, 2015. Collection method: clinical testing. Allele origin: germline.

Color Diagnostics, LLC DBA Color Health
Classification: Likely benign for Hereditary cancer-predisposing syndrome. Last evaluated: 2024-09-19. Review status: criteria provided, single submitter. Criteria: ACMG Guidelines, 2015. Collection method: clinical testing. Allele origin: germline.

Myriad Genetics, Inc.
Classification: Likely benign for Familial cancer of breast. Last evaluated: 2024-08-21. Review status: criteria provided, single submitter. Criteria: Myriad Autosomal Dominant, Autosomal Recessive and X-Linked Classification Criteria (2023). Collection method: clinical testing. Allele origin: unknown.
Comment: This variant is considered likely benign. Homozygosity for this variant has been confirmed in one or more individuals lacking clinical features consistent with gene-specific recessive disease, indicating that this variant is unlikely to be pathogenic.

KCCC/NGS Laboratory, Kuwait Cancer Control Center
Classification: Benign for Familial cancer of breast. Last evaluated: 2023-07-07. Review status: criteria provided, single submitter. Criteria: ACMG Guidelines, 2015. Collection method: clinical testing. Allele origin: germline. Affected: yes.

CHEO Genetics Diagnostic Laboratory, Children's Hospital of Eastern Ontario
Classification: Likely benign for Breast and/or ovarian cancer. Last evaluated: 2023-03-03. Review status: criteria provided, single submitter. Criteria: ACMG Guidelines, 2015. Collection method: clinical testing. Allele origin: germline.

Institute for Biomarker Research, Medical Diagnostic Laboratories, L.L.C.
Classification: Benign for Hereditary cancer-predisposing syndrome. Last evaluated: 2022-12-23. Review status: criteria provided, single submitter. Criteria: ACMG Guidelines, 2015. Collection method: clinical testing. Allele origin: germline.

Genetic Services Laboratory, University of Chicago
Classification: Likely benign. Last evaluated: 2021-10-01. Review status: criteria provided, single submitter. Criteria: ACMG Guidelines, 2015. Collection method: clinical testing. Allele origin: germline. Affected: no.

Sema4
Classification: Benign for Hereditary cancer-predisposing syndrome. Last evaluated: 2021-03-12. Review status: criteria provided, single submitter. Criteria: Sema4 Curation Guidelines. Collection method: curation. Allele origin: germline.

Mendelics
Classification: Likely benign for Familial cancer of breast. Last evaluated: 2019-05-28. Review status: criteria provided, single submitter. Criteria: Mendelics Assertion Criteria 2017. Collection method: clinical testing. Allele origin: unknown.

GeneDx
Classification: Benign. Last evaluated: 2017-12-21. Review status: criteria provided, single submitter. Criteria: GeneDx Variant Classification (06012015). Collection method: clinical testing. Allele origin: germline. Affected: yes.
Comment: This variant is considered likely benign or benign based on one or more of the following criteria: it is a conservative change, it occurs at a poorly conserved position in the protein, it is predicted to be benign by multiple in silico algorithms, and/or has population frequency not consistent with disease.

Ambry Genetics
Classification: Benign for Hereditary cancer-predisposing syndrome. Last evaluated: 2017-12-08. Review status: criteria provided, single submitter. Criteria: Ambry Variant Classification Scheme 2023. Collection method: clinical testing. Allele origin: germline.

Illumina Laboratory Services, Illumina
Classification: Benign for Fanconi anemia complementation group J. Last evaluated: 2017-04-27. Review status: criteria provided, single submitter. Criteria: ICSL Variant Classification Criteria 13 December 2019. Collection method: clinical testing. Allele origin: germline.
Comment: This variant was observed as part of a predisposition screen in an ostensibly healthy population. A literature search was performed for the gene, cDNA change, and amino acid change (where applicable). No publications were found based on this search. Allele frequency data from public databases was too high to be consistent with this variant causing disease. Therefore, this variant is classified as benign.

Women's Health and Genetics/Laboratory Corporation of America, LabCorp
Classification: Benign. Last evaluated: 2016-02-08. Review status: criteria provided, single submitter. Criteria: LabCorp Variant Classification Summary - May 2015. Collection method: clinical testing. Allele origin: germline.

PreventionGenetics, part of Exact Sciences
Classification: Benign for BRIP1-related condition. Last evaluated: 2020-02-05. Review status: no assertion criteria provided. Collection method: clinical testing. Allele origin: germline. Not counted in ClinVar's aggregate classification.
Comment: This variant is classified as benign based on ACMG/AMP sequence variant interpretation guidelines (Richards et al. 2015 PMID: 25741868, with internal and published modifications).

Counsyl
Classification: Likely benign for Fanconi anemia complementation group J. Last evaluated: 2016-07-05. Review status: no assertion criteria provided. Collection method: clinical testing. Allele origin: unknown. Not counted in ClinVar's aggregate classification.

Counsyl
Classification: Likely benign for Ovarian cancer. Last evaluated: 2016-07-05. Review status: no assertion criteria provided. Collection method: clinical testing. Allele origin: unknown. Not counted in ClinVar's aggregate classification.

NM_032043.3(BRIP1):c.584T>C (p.Leu195Pro)

Gene: BRIP1 (BRCA1 interacting DNA helicase 1; minus strand). Cytogenetic location: 17q23.2.
Variant type: single nucleotide variant.
Coding change: c.584T>C on transcript NM_032043.3 (MANE Select); coding-DNA position 584, T replaced by C.
Protein change: p.Leu195Pro; replaces leucine 195 with proline.
Molecular consequence: missense variant.
Genome position (GRCh38, 1-based): chr17:61,847,144, A>G on the plus strand (T>C on the coding strand, the complement: BRIP1 is on the minus strand). VCF-style: chr17-61847144-A-G. GRCh37 (hg19) VCF-style: chr17-59924505-A-G.
Other names: p.L195P:CTC>CCC; short protein forms L195P.
Identifiers: ClinVar variation 128193 (VCV000128193.84), dbSNP rs4988347, ClinGen allele CA157725.